The following is an entry in ClinVar:

ClinVar aggregate classification (germline): Uncertain significance (1 of 4 stars; one submission).

gnomAD v4.1: 22 of 1,613,896 alleles (0.0014%); highest among the groups gnomAD compares: Admixed American, 0.005%; no homozygotes.

Submission:

GeneDx
Classification: Uncertain significance. Last evaluated: 2025-06-23. Review status: criteria provided, single submitter. Criteria: GeneDx Variant Classification Process June 2021. Collection method: clinical testing. Allele origin: germline. Affected: yes.
Comment: In silico analysis supports that this missense variant has a deleterious effect on protein structure/function; Has not been previously published as pathogenic or benign to our knowledge

NM_001136035.4(TRMT1):c.1684C>T (p.Arg562Trp)

Gene: TRMT1 (tRNA methyltransferase 1; minus strand). Cytogenetic location: 19p13.13.
Variant type: single nucleotide variant.
Coding change: c.1684C>T on transcript NM_001136035.4 (MANE Select); coding-DNA position 1684, C replaced by T.
Protein change: p.Arg562Trp; replaces arginine 562 with tryptophan.
Molecular consequence: missense variant.
Genome position (GRCh38, 1-based): chr19:13,105,506, G>A on the plus strand (C>T on the coding strand, the complement: TRMT1 is on the minus strand). VCF-style: chr19-13105506-G-A. GRCh37 (hg19) VCF-style: chr19-13216320-G-A.
Other names: c.1597C>T, p.Arg533Trp (NM_001142554.3, NM_001351760.2); c.1576C>T, p.Arg526Trp (NM_001351761.2); c.901C>T, p.Arg301Trp (NM_001351762.2); c.1684C>T, p.Arg562Trp (NM_017722.5); short protein forms R301W, R526W, R533W, R562W.
Identifiers: ClinVar variation 4680926 (VCV004680926.1).
Genomic context (GRCh38, chr19:13,105,506, plus strand): 5'-TTTCCCTGGCTGAGCCCCACCCCCACCTTACCACCACTCACCCTGGCCGGGCACGAGGCC[G>A]GGGACCCCAGTTGGCCTCCGGGTTAGCCTGGAAGCGCTTGAGTCCTCGCTGTCGGGAGCT-3'
Protein context (NP_001129507.1, residues 552-572): QANPEANWGP[Arg562Trp]PRARPGGKAA